The following is an entry in ClinVar:

ClinVar aggregate classification (germline): Benign/Likely benign. Review status: criteria provided, multiple submitters, no conflicts (2 of 4 stars). 7 submissions from 7 submitters: Benign (3); Likely benign (4). Last evaluated 2025-06-02.

Conditions:
Familial temporal lobe epilepsy 5. Identifiers: MedGen C3280730, MONDO:0013741, OMIM 614417.
Febrile seizures, familial, 11 (FEB11). Also called: CONVULSIONS, FAMILIAL FEBRILE, 11. Identifiers: MedGen C3280734, MONDO:0024566, OMIM 614418.

Allele frequency attached by ClinVar (database versions not stated): 1000 Genomes Project 30x 0.00172; 1000 Genomes Project 0.00180; TOPMed 0.00284; gnomAD 0.00299; gnomAD exomes 0.00301 and 0.00482; ExAC 0.00347; ESP Exome Variant Server 0.00469.
gnomAD v4.1: 7,356 of 1,613,888 alleles (0.46%); highest among the groups gnomAD compares: Non-Finnish European, 0.56%; 28 homozygotes.

Submissions (7):

Labcorp Genetics (formerly Invitae), Labcorp
Classification: Benign for Febrile seizures, familial, 11. Last evaluated: 2025-06-02. Review status: criteria provided, single submitter. Criteria: Invitae Variant Classification Sherloc (09022015). Collection method: clinical testing. Allele origin: germline.

Blueprint Genetics
Classification: Likely benign. Last evaluated: 2024-11-18. Review status: criteria provided, single submitter. Criteria: ACMG Guidelines, 2015. Collection method: clinical testing. Allele origin: germline.

Fulgent Genetics
Classification: Likely benign for Familial temporal lobe epilepsy 5; Febrile seizures, familial, 11. Last evaluated: 2022-02-28. Review status: criteria provided, single submitter. Criteria: ACMG Guidelines, 2015. Collection method: clinical testing. Allele origin: unknown.

Illumina Laboratory Services, Illumina
Classification: Likely benign for Familial temporal lobe epilepsy 5. Last evaluated: 2018-01-12. Review status: criteria provided, single submitter. Criteria: ICSL Variant Classification Criteria 13 December 2019. Collection method: clinical testing. Allele origin: germline.
Comment: This variant was observed in the ICSL laboratory as part of a predisposition screen in an ostensibly healthy population. It had not been previously curated by ICSL or reported in the Human Gene Mutation Database (HGMD: prior to June 1st, 2018), and was therefore a candidate for classification through an automated scoring system. Utilizing variant allele frequency, disease prevalence and penetrance estimates, and inheritance mode, an automated score was calculated to assess if this variant is too frequent to cause the disease. Based on the score and internal cut-off values, a variant classified as likely benign is not then subjected to further curation. The score for this variant resulted in a classification of likely benign for this disease.

Athena Diagnostics
Classification: Benign. Last evaluated: 2017-06-23. Review status: criteria provided, single submitter. Criteria: Athena Diagnostics Criteria. Collection method: clinical testing. Allele origin: germline.

Eurofins Ntd Llc (ga)
Classification: Benign. Last evaluated: 2015-11-09. Review status: criteria provided, single submitter. Criteria: EGL Classification Definitions 2015. Collection method: clinical testing. Allele origin: germline. Observed: 1 variant allele, 1 heterozygote.

Breakthrough Genomics
Classification: Likely benign. Review status: criteria provided, single submitter. Criteria: ACMG Guidelines, 2015. Collection method: not provided. Allele origin: germline. Inheritance: Autosomal recessive inheritance. Affected: yes.

Literature cited by the submitters: PubMed 23105115 (cited by Athena Diagnostics).

NM_020361.5(CPA6):c.975A>G (p.Ala325=)

Genes: ARFGEF1-DT (ARFGEF1 divergent transcript; plus strand), CPA6 (carboxypeptidase A6; minus strand). Cytogenetic location: 8q13.2.
Variant type: single nucleotide variant.
Coding change: c.975A>G on transcript NM_020361.5 (MANE Select); coding-DNA position 975, A replaced by G.
Protein change: p.Ala325=; no amino-acid change (alanine 325 retained).
Molecular consequence: synonymous variant.
Genome position (GRCh38, 1-based): chr8:67,434,104, T>C on the plus strand (A>G on the coding strand, the complement: CPA6 is on the minus strand). VCF-style: chr8-67434104-T-C. GRCh37 (hg19) VCF-style: chr8-68346339-T-C.
Identifiers: ClinVar variation 284180 (VCV000284180.22), dbSNP rs138313759, ClinGen allele CA4772766.